The following is an entry in ClinVar:

NM_006516.4(SLC2A1):c.829G>C (p.Val277Leu)

Gene: SLC2A1 (solute carrier family 2 member 1; minus strand). Cytogenetic location: 1p34.2.
Variant type: single nucleotide variant.
Coding change: c.829G>C on transcript NM_006516.4 (MANE Select); coding-DNA position 829, G replaced by C.
Protein change: p.Val277Leu; replaces valine 277 with leucine.
Molecular consequence: missense variant.
Genome position (GRCh38, 1-based): chr1:42,929,631, C>G on the plus strand (G>C on the coding strand, the complement: SLC2A1 is on the minus strand). VCF-style: chr1-42929631-C-G. GRCh37 (hg19) VCF-style: chr1-43395302-C-G.
Other names: c.829G>C (NM_006516.2); short protein forms V277L.
Identifiers: ClinVar variation 1945821 (VCV001945821.7), dbSNP rs928228807, ClinGen allele CA21250989.

ClinVar aggregate classification (germline): Uncertain significance. Review status: criteria provided, multiple submitters, no conflicts (2 of 4 stars). 3 submissions from 3 submitters: Uncertain significance (3). Last evaluated 2026-04-15.

Conditions:
Inborn genetic diseases. Identifiers: MedGen C0950123, MeSH D030342.
GLUT1 deficiency syndrome 1, autosomal recessive. Identifiers: MedGen C3149117.

Allele frequency attached by ClinVar (database versions not stated): gnomAD 0.00002; TOPMed 0.00002.
gnomAD v4.1: 3 of 1,613,732 alleles (0.00019%); highest among the groups gnomAD compares: African/African-American, 0.004%; no homozygotes.

Submissions (3):

Ambry Genetics
Classification: Uncertain significance for Inborn genetic diseases. Last evaluated: 2026-04-15. Review status: criteria provided, single submitter. Criteria: Ambry Variant Classification Scheme 2023. Collection method: clinical testing. Allele origin: germline.

GeneDx
Classification: Uncertain significance. Last evaluated: 2024-08-26. Review status: criteria provided, single submitter. Criteria: GeneDx Variant Classification Process June 2021. Collection method: clinical testing. Allele origin: germline. Affected: yes.
Comment: Not observed at significant frequency in large population cohorts (gnomAD); In silico analysis indicates that this missense variant does not alter protein structure/function; Has not been previously published as pathogenic or benign to our knowledge

Labcorp Genetics (formerly Invitae), Labcorp
Classification: Uncertain significance for GLUT1 deficiency syndrome 1, autosomal recessive. Last evaluated: 2023-07-07. Review status: criteria provided, single submitter. Criteria: Invitae Variant Classification Sherloc (09022015). Collection method: clinical testing. Allele origin: germline.
Comment: This sequence change replaces valine, which is neutral and non-polar, with leucine, which is neutral and non-polar, at codon 277 of the SLC2A1 protein (p.Val277Leu). This variant is not present in population databases (gnomAD no frequency). This variant has not been reported in the literature in individuals affected with SLC2A1-related conditions. ClinVar contains an entry for this variant (Variation ID: 1945821). Advanced modeling of protein sequence and biophysical properties (such as structural, functional, and spatial information, amino acid conservation, physicochemical variation, residue mobility, and thermodynamic stability) has been performed at Invitae for this missense variant, however the output from this modeling did not meet the statistical confidence thresholds required to predict the impact of this variant on SLC2A1 protein function. In summary, the available evidence is currently insufficient to determine the role of this variant in disease. Therefore, it has been classified as a Variant of Uncertain Significance.